The following is an entry in ClinVar:

NM_001040108.2(MLH3):c.271G>A (p.Gly91Ser)

Gene: MLH3 (mutL homolog 3; minus strand). Cytogenetic location: 14q24.3.
Variant type: single nucleotide variant.
Coding change: c.271G>A on transcript NM_001040108.2 (MANE Select); coding-DNA position 271, G replaced by A.
Protein change: p.Gly91Ser; replaces glycine 91 with serine.
Molecular consequence: missense variant.
Genome position (GRCh38, 1-based): chr14:75,049,385, C>T on the plus strand (G>A on the coding strand, the complement: MLH3 is on the minus strand). VCF-style: chr14-75049385-C-T. GRCh37 (hg19) VCF-style: chr14-75516088-C-T.
Other names: c.271G>A, p.Gly91Ser (NM_014381.3); short protein forms G91S.
Identifiers: ClinVar variation 1795171 (VCV001795171.2), dbSNP rs767196730, ClinGen allele CA390451202.

ClinVar aggregate classification (germline): Uncertain significance (1 of 4 stars; one submission).

Submission:

Ambry Genetics
Classification: Uncertain significance. Last evaluated: 2021-10-19. Review status: criteria provided, single submitter. Criteria: Ambry Variant Classification Scheme 2023. Collection method: clinical testing. Allele origin: germline.
Comment: The p.G91S variant (also known as c.271G>A), located in coding exon 1 of the MLH3 gene, results from a G to A substitution at nucleotide position 271. The glycine at codon 91 is replaced by serine, an amino acid with similar properties. This amino acid position is conserved. In addition, this alteration is predicted to be deleterious by in silico analysis. Since supporting evidence is limited at this time, the clinical significance of this alteration remains unclear.